The following is an entry in ClinVar:

NM_033028.5(BBS4):c.1450G>A (p.Gly484Ser)

Gene: BBS4 (Bardet-Biedl syndrome 4; plus strand). Cytogenetic location: 15q24.1.
Variant type: single nucleotide variant.
Coding change: c.1450G>A on transcript NM_033028.5 (MANE Select); coding-DNA position 1450, G replaced by A.
Protein change: p.Gly484Ser; replaces glycine 484 with serine.
Molecular consequence: missense variant. On other transcripts: non-coding transcript variant (2).
Genome position (GRCh38, 1-based): chr15:72,736,963, G>A. VCF-style: chr15-72736963-G-A. GRCh37 (hg19) VCF-style: chr15-73029304-G-A.
Other names: c.934G>A, p.Gly312Ser (NM_001252678.2); c.1381G>A, p.Gly461Ser (NM_001320665.2); short protein forms G312S, G461S, G484S.
Identifiers: ClinVar variation 1025848 (VCV001025848.8), dbSNP rs2065938048, ClinGen allele CA393081117.

ClinVar aggregate classification (germline): Uncertain significance (1 of 4 stars; one submission).

Conditions:
Bardet-Biedl syndrome (BBS). Identifiers: Orphanet 110, MedGen C0752166, MONDO:0015229.

Submission:

Labcorp Genetics (formerly Invitae), Labcorp
Classification: Uncertain significance for Bardet-Biedl syndrome. Last evaluated: 2020-01-23. Review status: criteria provided, single submitter. Criteria: Invitae Variant Classification Sherloc (09022015). Collection method: clinical testing. Allele origin: germline.
Comment: In summary, the available evidence is currently insufficient to determine the role of this variant in disease. Therefore, it has been classified as a Variant of Uncertain Significance. Nucleotide substitutions within the consensus splice site are a relatively common cause of aberrant splicing (PMID: 17576681, 9536098). Algorithms developed to predict the effect of sequence changes on RNA splicing suggest that this variant may disrupt the consensus splice site, but this prediction has not been confirmed by published transcriptional studies. Algorithms developed to predict the effect of missense changes on protein structure and function (SIFT, PolyPhen-2, Align-GVGD) all suggest that this variant is likely to be tolerated, but these predictions have not been confirmed by published functional studies and their clinical significance is uncertain. This variant has not been reported in the literature in individuals with BBS4-related conditions. This variant is not present in population databases (ExAC no frequency). This sequence change replaces glycine with serine at codon 484 of the BBS4 protein (p.Gly484Ser). The glycine residue is moderately conserved and there is a small physicochemical difference between glycine and serine. This variant also falls at the last nucleotide of exon 15 of the BBS4 coding sequence, which is part of the consensus splice site for this exon.

Literature cited by the submitters: PubMed 17576681; PubMed 9536098.